The following is an entry in ClinVar:

NM_000264.5(PTCH1):c.937T>G (p.Ser313Ala)

Gene: PTCH1 (patched 1; minus strand). Cytogenetic location: 9q22.32.
Variant type: single nucleotide variant.
Coding change: c.937T>G on transcript NM_000264.5 (MANE Select); coding-DNA position 937, T replaced by G.
Protein change: p.Ser313Ala; replaces serine 313 with alanine.
Molecular consequence: missense variant. On other transcripts: non-coding transcript variant (1).
Genome position (GRCh38, 1-based): chr9:95,480,398, A>C on the plus strand (T>G on the coding strand, the complement: PTCH1 is on the minus strand). VCF-style: chr9-95480398-A-C. GRCh37 (hg19) VCF-style: chr9-98242680-A-C.
Other names: c.739T>G, p.Ser247Ala (NM_001083602.3); c.934T>G, p.Ser312Ala (NM_001083603.3); c.484T>G, p.Ser162Ala (NM_001083604.3, NM_001083605.3, NM_001083606.3 and 1 more transcripts); c.937T>G, p.Ser313Ala (NM_001354918.2); short protein forms S247A, S313A, S162A, S312A.
Identifiers: ClinVar variation 2818205 (VCV002818205.4), dbSNP rs2118412052, ClinGen allele CA374113625.

ClinVar aggregate classification (germline): Conflicting classifications of pathogenicity. Review status: criteria provided, conflicting classifications (1 of 4 stars). 2 submissions from 2 submitters: Uncertain significance (1); Likely benign (1). Last evaluated 2025-08-20.

Conditions:
Hereditary cancer-predisposing syndrome. Also called: Neoplastic Syndromes, Hereditary; Hereditary Cancer Syndrome; Hereditary neoplastic syndrome; Tumor predisposition. Identifiers: Orphanet 140162, MedGen C0027672, MeSH D009386, MONDO:0015356.
Gorlin syndrome. Also called: Nevoid Basal Cell Carcinoma Syndrome; Basal cell nevus syndrome. Identifiers: Orphanet 377, MedGen C0004779, MONDO:0007187.

Allele frequency attached by ClinVar (database versions not stated): gnomAD exomes below 0.00001.

Submissions (2):

Ambry Genetics
Classification: Likely benign for Hereditary cancer-predisposing syndrome. Last evaluated: 2025-08-20. Review status: criteria provided, single submitter. Criteria: Ambry Variant Classification Scheme 2023. Collection method: clinical testing. Allele origin: germline.

Labcorp Genetics (formerly Invitae), Labcorp
Classification: Uncertain significance for Gorlin syndrome. Last evaluated: 2022-12-03. Review status: criteria provided, single submitter. Criteria: Invitae Variant Classification Sherloc (09022015). Collection method: clinical testing. Allele origin: germline.
Comment: In summary, the available evidence is currently insufficient to determine the role of this variant in disease. Therefore, it has been classified as a Variant of Uncertain Significance. Advanced modeling of protein sequence and biophysical properties (such as structural, functional, and spatial information, amino acid conservation, physicochemical variation, residue mobility, and thermodynamic stability) performed at Invitae indicates that this missense variant is not expected to disrupt PTCH1 protein function. This variant has not been reported in the literature in individuals affected with PTCH1-related conditions. This variant is not present in population databases (gnomAD no frequency). This sequence change replaces serine, which is neutral and polar, with alanine, which is neutral and non-polar, at codon 313 of the PTCH1 protein (p.Ser313Ala).